The following is an entry in ClinVar:

ClinVar aggregate classification (germline): Conflicting classifications of pathogenicity. Review status: criteria provided, conflicting classifications (1 of 4 stars). 8 submissions from 8 submitters: Uncertain significance (1); Benign (2); Likely benign (3). 2 of the submissions do not count toward it. Last evaluated 2026-04-06.

Conditions:
Leukocyte adhesion deficiency type II. Also called: CONGENITAL DISORDER OF GLYCOSYLATION, TYPE IIc; CDG IIc; Congenital disorder of glycosylation type 2C; CDG 2C; Leukocyte adhesion deficiency type 2; Rambam Hasharon syndrome. Identifiers: Orphanet 2968, Orphanet 99843, MedGen C0398739, MONDO:0009953, OMIM 266265.

Allele frequency attached by ClinVar (database versions not stated): 1000 Genomes Project 30x 0.00094; 1000 Genomes Project 0.00100; ESP Exome Variant Server 0.00146; TOPMed 0.00162; ExAC 0.00247; gnomAD exomes 0.00271 and 0.00272; gnomAD 0.00274 and 0.00284.
gnomAD v4.1: 4,321 of 1,612,664 alleles (0.27%); highest among the groups gnomAD compares: Non-Finnish European, 0.26%; 14 homozygotes.

Submissions (8):

Women's Health and Genetics/Laboratory Corporation of America, LabCorp
Classification: Benign. Last evaluated: 2026-04-06. Review status: criteria provided, single submitter. Criteria: LabCorp Variant Classification Summary - May 2015. Collection method: clinical testing. Allele origin: germline.

Labcorp Genetics (formerly Invitae), Labcorp
Classification: Benign for Leukocyte adhesion deficiency type II. Last evaluated: 2026-01-20. Review status: criteria provided, single submitter. Criteria: Invitae Variant Classification Sherloc (09022015). Collection method: clinical testing. Allele origin: germline.

CeGaT Center for Human Genetics Tuebingen
Classification: Likely benign. Last evaluated: 2025-01-01. Review status: criteria provided, single submitter. Criteria: CeGaT Center For Human Genetics Tuebingen Variant Classification Criteria Version 2. Collection method: clinical testing. Allele origin: germline. Affected: yes. Observed: 4 variant alleles.
Comment: SLC35C1: BP4, BP7

Blueprint Genetics
Classification: Likely benign. Last evaluated: 2024-11-18. Review status: criteria provided, single submitter. Criteria: ACMG Guidelines, 2015. Collection method: clinical testing. Allele origin: germline.

Illumina Laboratory Services, Illumina
Classification: Uncertain significance for Leukocyte adhesion deficiency type II. Last evaluated: 2018-01-12. Review status: criteria provided, single submitter. Criteria: ICSL Variant Classification Criteria 13 December 2019. Collection method: clinical testing. Allele origin: germline.

GeneDx
Classification: Likely benign. Last evaluated: 2017-08-16. Review status: criteria provided, single submitter. Criteria: GeneDx Variant Classification (06012015). Collection method: clinical testing. Allele origin: germline. Affected: yes.
Comment: This variant is considered likely benign or benign based on one or more of the following criteria: it is a conservative change, it occurs at a poorly conserved position in the protein, it is predicted to be benign by multiple in silico algorithms, and/or has population frequency not consistent with disease.

Clinical Genetics DNA and cytogenetics Diagnostics Lab, Erasmus MC, Erasmus Medical Center
Classification: Likely benign. Review status: no assertion criteria provided. Collection method: clinical testing. Allele origin: germline. Affected: yes. Study: VKGL Data-share Consensus. Not counted in ClinVar's aggregate classification.

Genome Diagnostics Laboratory, University Medical Center Utrecht
Classification: Likely benign. Review status: no assertion criteria provided. Collection method: clinical testing. Allele origin: germline. Affected: yes. Study: VKGL Data-share Consensus. Not counted in ClinVar's aggregate classification.

NM_018389.5(SLC35C1):c.522C>T (p.Cys174=)

Gene: SLC35C1 (solute carrier family 35 member C1; plus strand). Cytogenetic location: 11p11.2.
Variant type: single nucleotide variant.
Coding change: c.522C>T on transcript NM_018389.5 (MANE Select); coding-DNA position 522, C replaced by T.
Protein change: p.Cys174=; no amino-acid change (cysteine 174 retained).
Molecular consequence: synonymous variant.
Genome position (GRCh38, 1-based): chr11:45,806,323, C>T. VCF-style: chr11-45806323-C-T. GRCh37 (hg19) VCF-style: chr11-45827874-C-T.
Other names: c.483C>T, p.Cys161= (NM_001145265.2, NM_001145266.2).
Identifiers: ClinVar variation 304739 (VCV000304739.54), dbSNP rs141379070, ClinGen allele CA5958257.